The following is an entry in ClinVar:

ClinVar aggregate classification (germline): Uncertain significance (1 of 4 stars; one submission).

Submission:

Labcorp Genetics (formerly Invitae), Labcorp
Classification: Uncertain significance. Last evaluated: 2022-01-03. Review status: criteria provided, single submitter. Criteria: Invitae Variant Classification Sherloc (09022015). Collection method: clinical testing. Allele origin: germline.
Comment: This sequence change replaces threonine, which is neutral and polar, with isoleucine, which is neutral and non-polar, at codon 10 of the ACAD9 protein (p.Thr10Ile). This variant is present in population databases (no rsID available, gnomAD 0.006%). This variant has not been reported in the literature in individuals affected with ACAD9-related conditions. Advanced modeling of protein sequence and biophysical properties (such as structural, functional, and spatial information, amino acid conservation, physicochemical variation, residue mobility, and thermodynamic stability) performed at Invitae indicates that this missense variant is not expected to disrupt ACAD9 protein function. In summary, the available evidence is currently insufficient to determine the role of this variant in disease. Therefore, it has been classified as a Variant of Uncertain Significance.

NM_014049.5(ACAD9):c.29C>T (p.Thr10Ile)

Gene: ACAD9 (acyl-CoA dehydrogenase family member 9; plus strand). Cytogenetic location: 3q21.3.
Variant type: single nucleotide variant.
Coding change: c.29C>T on transcript NM_014049.5 (MANE Select); coding-DNA position 29, C replaced by T.
Protein change: p.Thr10Ile; replaces threonine 10 with isoleucine.
Molecular consequence: missense variant. On other transcripts: non-coding transcript variant (1).
Genome position (GRCh38, 1-based): chr3:128,879,720, C>T. VCF-style: chr3-128879720-C-T. GRCh37 (hg19) VCF-style: chr3-128598563-C-T.
Other names: c.-247C>T (NM_001410805.1); short protein forms T10I.
Identifiers: ClinVar variation 2184475 (VCV002184475.1), dbSNP rs1278517422, ClinGen allele CA354429541.